The following is an entry in ClinVar:

NM_000535.7(PMS2):c.24-7T>C

Gene: PMS2 (PMS1 homolog 2, mismatch repair system component; minus strand). Cytogenetic location: 7p22.1.
Variant type: single nucleotide variant.
Coding change: c.24-7T>C on transcript NM_000535.7 (MANE Select); 7 bases into the intron before coding-DNA position 24, T replaced by C.
Molecular consequence: intron variant.
Genome position (GRCh38, 1-based): chr7:6,006,038, A>G on the plus strand (T>C on the coding strand, the complement: PMS2 is on the minus strand). VCF-style: chr7-6006038-A-G. GRCh37 (hg19) VCF-style: chr7-6045669-A-G.
Other names: c.-52-1980T>C (NM_001322008.2); c.-218-1980T>C (NM_001406881.1); c.-189-1980T>C (NM_001406895.1); c.-242-1980T>C (NM_001406911.1, NM_001322010.2, NM_001322004.2); c.-321-1980T>C (NM_001406879.1); c.-187-12T>C (NM_001406902.1, NM_001406883.1); c.-324-12T>C (NM_001406904.1, NM_001406889.1); c.-377-12T>C (NM_001322013.2, NM_001406905.1, NM_001406906.1 and 6 more transcripts); and 12 more.
Identifiers: ClinVar variation 3903552 (VCV003903552.1).

ClinVar aggregate classification (germline): Likely benign (1 of 4 stars; one submission).

Conditions:
Lynch syndrome 4 (LYNCH4). Also called: Colorectal cancer, hereditary nonpolyposis, type 4; Hereditary non-polyposis colorectal cancer, type 4. Identifiers: Orphanet 144, MedGen C1838333, MONDO:0013699, OMIM 614337. Disease mechanism: loss of function.

Submission:

Myriad Genetics, Inc.
Classification: Likely benign for Lynch syndrome 4. Last evaluated: 2025-01-23. Review status: criteria provided, single submitter. Criteria: Myriad Autosomal Dominant, Autosomal Recessive and X-Linked Classification Criteria (2023). Collection method: clinical testing. Allele origin: unknown.
Comment: This variant is considered likely benign. This variant is intronic and is not expected to impact mRNA splicing.